The following is an entry in ClinVar:

ClinVar aggregate classification (germline): Uncertain significance (1 of 4 stars; one submission).

Submission:

GeneDx
Classification: Uncertain significance. Last evaluated: 2024-01-30. Review status: criteria provided, single submitter. Criteria: GeneDx Variant Classification Process June 2021. Collection method: clinical testing. Allele origin: germline. Affected: yes.
Comment: Not observed at significant frequency in large population cohorts (gnomAD); In silico analysis supports that this missense variant does not alter protein structure/function; Has not been previously published as pathogenic or benign to our knowledge

NM_001367624.2(ZNF469):c.2552T>C (p.Met851Thr)

Gene: ZNF469 (zinc finger protein 469; plus strand). Cytogenetic location: 16q24.2.
Variant type: single nucleotide variant.
Coding change: c.2552T>C on transcript NM_001367624.2 (MANE Select); coding-DNA position 2552, T replaced by C.
Protein change: p.Met851Thr; replaces methionine 851 with threonine.
Molecular consequence: missense variant.
Genome position (GRCh38, 1-based): chr16:88,430,022, T>C. VCF-style: chr16-88430022-T-C. GRCh37 (hg19) VCF-style: chr16-88496430-T-C.
Other names: NM_001127464.1:c.2552T>C; short protein forms M851T.
Identifiers: ClinVar variation 3368578 (VCV003368578.1).